The following is an entry in ClinVar:

NM_001190417.2(ZNF674):c.1013C>T (p.Thr338Met)

Gene: ZNF674 (zinc finger protein 674; minus strand). Cytogenetic location: Xp11.3.
Variant type: single nucleotide variant.
Coding change: c.1013C>T on transcript NM_001190417.2 (MANE Select); coding-DNA position 1013, C replaced by T.
Protein change: p.Thr338Met; replaces threonine 338 with methionine.
Molecular consequence: missense variant.
Genome position (GRCh38, 1-based): chrX:46,500,561, G>A on the plus strand (C>T on the coding strand, the complement: ZNF674 is on the minus strand). VCF-style: chrX-46500561-G-A. GRCh37 (hg19) VCF-style: chrX-46359996-G-A.
Other names: c.1028C>T, p.Thr343Met (NM_001039891.3); c.1010C>T, p.Thr337Met (NM_001146291.2); short protein forms T343M, T338M, T337M.
Identifiers: ClinVar variation 130843 (VCV000130843.13), dbSNP rs61730637, ClinGen allele CA156159.
Genomic context (GRCh38, chrX:46,500,561, plus strand): 5'-CCATGTTCACTGCACTGAGGTTTCTCACTTGTGTGAATTCTTTGATATATAAGGCTGGAC[G>A]TAGTACATTTAATACCTTTATAAAATGCTTGTCTAATGTGTGTTTTTTCATGTCTAATAA-3'
Protein context (NP_001177346.1, residues 328-348): QAFYKGIKCT[Thr338Met]SSLIYQRIHT

ClinVar aggregate classification (germline): Benign. Review status: criteria provided, multiple submitters, no conflicts (2 of 4 stars). 4 submissions from 4 submitters: Benign (2). 2 of the submissions do not count toward it. Last evaluated 2017-12-07.

Conditions:
ZNF674-related disorder. Also called: ZNF674-related condition.

Allele frequency attached by ClinVar (database versions not stated): gnomAD exomes 0.00330 and 0.00838; ExAC 0.01023; gnomAD 0.03010 and 0.03202; 1000 Genomes Project 0.03073; 1000 Genomes Project 30x 0.03080; ESP Exome Variant Server 0.03121; TOPMed 0.03317.
gnomAD v4.1: 7,196 of 1,209,660 alleles (0.59%); highest among the groups gnomAD compares: African/African-American, 10%; 212 homozygotes.

Submissions (4):

Ambry Genetics
Classification: Benign. Last evaluated: 2017-12-07. Review status: criteria provided, single submitter. Criteria: Ambry Variant Classification Scheme 2023. Collection method: clinical testing. Allele origin: germline.

Breakthrough Genomics
Classification: Benign. Review status: criteria provided, single submitter. Criteria: ACMG Guidelines, 2015. Collection method: not provided. Allele origin: germline. Inheritance: Unknown mechanism. Affected: yes.

PreventionGenetics, part of Exact Sciences
Classification: Benign for ZNF674-related condition. Last evaluated: 2019-07-15. Review status: no assertion criteria provided. Collection method: clinical testing. Allele origin: germline. Not counted in ClinVar's aggregate classification.
Comment: This variant is classified as benign based on ACMG/AMP sequence variant interpretation guidelines (Richards et al. 2015 PMID: 25741868, with internal and published modifications).

Genetic Services Laboratory, University of Chicago
Classification: Likely benign for AllHighlyPenetrant. Review status: no assertion criteria provided. Collection method: clinical testing. Allele origin: germline. Inheritance: X-linked inheritance. Not counted in ClinVar's aggregate classification.
Comment: Likely benign based on allele frequency in 1000 Genomes Project or ESP global frequency and its presence in a patient with a rare or unrelated disease phenotype. NOT Sanger confirmed.